The following is an entry in ClinVar:

NM_152713.5(STT3A):c.1154C>T (p.Ala385Val)

Gene: STT3A (STT3 oligosaccharyltransferase complex catalytic subunit A; plus strand). Cytogenetic location: 11q24.2.
Variant type: single nucleotide variant.
Coding change: c.1154C>T on transcript NM_152713.5 (MANE Select); coding-DNA position 1154, C replaced by T.
Protein change: p.Ala385Val; replaces alanine 385 with valine.
Molecular consequence: missense variant.
Genome position (GRCh38, 1-based): chr11:125,611,464, C>T. VCF-style: chr11-125611464-C-T. GRCh37 (hg19) VCF-style: chr11-125481359-C-T.
Other names: c.1154C>T, p.Ala385Val (NM_001278503.2); c.878C>T, p.Ala293Val (NM_001278504.2); short protein forms A293V, A385V.
Identifiers: ClinVar variation 4976386 (VCV004976386.1).

ClinVar aggregate classification (germline): Uncertain significance (1 of 4 stars; one submission).

Submission:

GeneDx
Classification: Uncertain significance. Last evaluated: 2026-02-11. Review status: criteria provided, single submitter. Criteria: GeneDx Variant Classification Process June 2021. Collection method: clinical testing. Allele origin: germline.
Comment: Not observed at significant frequency in large population cohorts (gnomAD); In silico analysis suggests that this missense variant does not alter protein structure/function; Has not been previously published as pathogenic or benign to our knowledge